The following is an entry in ClinVar:

NM_000141.5(FGFR2):c.902A>G (p.Tyr301Cys)

Gene: FGFR2 (fibroblast growth factor receptor 2; minus strand). Cytogenetic location: 10q26.13.
Variant type: single nucleotide variant.
Coding change: c.902A>G on transcript NM_000141.5 (MANE Select); coding-DNA position 902, A replaced by G.
Protein change: p.Tyr301Cys; replaces tyrosine 301 with cysteine.
Molecular consequence: missense variant. On other transcripts: non-coding transcript variant (1), intron variant (1).
Genome position (GRCh38, 1-based): chr10:121,520,016, T>C on the plus strand (A>G on the coding strand, the complement: FGFR2 is on the minus strand). VCF-style: chr10-121520016-T-C. GRCh37 (hg19) VCF-style: chr10-123279530-T-C.
Other names: c.902A>G, p.Tyr301Cys (NM_001144913.1, NM_001144917.2, NM_001320658.2 and 1 more transcripts); c.635A>G, p.Tyr212Cys (NM_001144915.2, NM_001144919.2, NM_023029.3); c.557A>G, p.Tyr186Cys (NM_001144916.2, NM_001144918.2); c.218A>G, p.Tyr73Cys (NM_001320654.2); c.749-4697A>G (NM_001144914.1); short protein forms Y301C, Y212C, Y73C, Y186C.
Identifiers: ClinVar variation 478048 (VCV000478048.8), dbSNP rs1554930684, ClinGen allele CA378330459.
Genomic context (GRCh38, chr10:121,520,016, plus strand): 5'-CTTTAGATTCAGAAAGTCCTCACCTTGAGAACCTTGAGGTAGGGCAGCCCGTCGGGCCCG[T>C]ATTTACTGCCGTTCTTTTCCACGTGCTTGATCCACTGGATGTGGGGCTGGGCATCACTGT-3'
Protein context (NP_000132.3, residues 291-311): IKHVEKNGSK[Tyr301Cys]GPDGLPYLKV

ClinVar aggregate classification (germline): Uncertain significance (1 of 4 stars; one submission).

Conditions:
FGFR2-related craniosynostosis. Identifiers: MedGen CN231480.

Submission:

Labcorp Genetics (formerly Invitae), Labcorp
Classification: Uncertain significance for FGFR2-related craniosynostosis. Last evaluated: 2016-07-03. Review status: criteria provided, single submitter. Criteria: Invitae Variant Classification Sherloc (09022015). Collection method: clinical testing. Allele origin: germline.
Comment: In summary, this variant is a rare missense change with uncertain impact on protein function. While it is absent from the population and reported in affected individuals, the available evidence is currently insufficient to definitively determine its role in disease. Therefore, it has been classified as a Variant of Uncertain Significance. Algorithms developed to predict the effect of missense changes on protein structure and function do not agree on the potential impact of this missense change (SIFT: "Deleterious"; PolyPhen-2: "Benign"; Align-GVGD: "Class C0"). This variant has been reported in 2 individuals affected with Crouzon Syndrome (PMID: 9521581, 18391498). This variant is not present in population databases (ExAC no frequency). This sequence change replaces tyrosine with cysteine at codon 301 of the FGFR2 protein (p.Tyr301Cys). The tyrosine residue is moderately conserved and there is a large physicochemical difference between tyrosine and cysteine.

Literature cited by the submitters: PubMed 9521581; PubMed 18391498.